The following is an entry in ClinVar:

NM_001130438.3(SPTAN1):c.2197C>T (p.Arg733Ter)

Gene: SPTAN1 (spectrin alpha, non-erythrocytic 1; plus strand). Cytogenetic location: 9q34.11.
Variant type: single nucleotide variant.
Coding change: c.2197C>T on transcript NM_001130438.3 (MANE Select); coding-DNA position 2197, C replaced by T.
Protein change: p.Arg733Ter; replaces arginine 733 with a stop codon.
Molecular consequence: nonsense.
Genome position (GRCh38, 1-based): chr9:128,584,285, C>T. VCF-style: chr9-128584285-C-T. GRCh37 (hg19) VCF-style: chr9-131346564-C-T.
Other names: c.2197C>T, p.Arg733Ter (NM_001195532.2, NM_001363759.2, NM_001363765.2 and 5 more transcripts); c.2233C>T, p.Arg745Ter (NM_001375312.2, NM_001375318.1); short protein forms R733*, R745*.
Identifiers: ClinVar variation 983118 (VCV000983118.3), dbSNP rs1852298912, ClinGen allele CA375057094.

ClinVar aggregate classification (germline): Conflicting classifications of pathogenicity. Review status: criteria provided, conflicting classifications (1 of 4 stars). 2 submissions from 2 submitters: Likely pathogenic (1); Uncertain significance (1). Last evaluated 2019-01-01.

Conditions:
Developmental and epileptic encephalopathy, 5 (DEE5). Identifiers: Orphanet 3451, MedGen C3150731, MONDO:0013277, OMIM 613477.
Neuronopathy, distal hereditary motor, autosomal dominant 11. Also called: NEUROPATHY, DISTAL HEREDITARY MOTOR, 11. Identifiers: MedGen C5882697, MONDO:0957875, OMIM 620528.
Spastic paraplegia 91, autosomal dominant, with or without cerebellar ataxia (SPG91). Identifiers: MedGen C5882701, MONDO:0957813, OMIM 620538.
Developmental delay with or without epilepsy (DEVEP). Identifiers: MedGen C5882702, MONDO:0957815, OMIM 620540.

gnomAD v4.1: 1 of 1,614,120 alleles (0.000062%); highest among the groups gnomAD compares: Non-Finnish European, 0.000085%; no homozygotes.

Submissions (2):

Institute of Human Genetics, University of Leipzig Medical Center
Classification: Uncertain significance for Developmental and epileptic encephalopathy, 5. Last evaluated: 2019-01-01. Review status: criteria provided, single submitter. Criteria: ACMG Guidelines, 2015. Collection method: clinical testing. Allele origin: unknown. Affected: no.

Juno Genomics, Hangzhou Juno Genomics, Inc
Classification: Likely pathogenic for Developmental delay with or without epilepsy; Neuronopathy, distal hereditary motor, autosomal dominant 11; Spastic paraplegia 91, autosomal dominant, with or without cerebellar ataxia; Developmental and epileptic encephalopathy, 5. Review status: criteria provided, single submitter. Criteria: ACMG Guidelines, 2015. Collection method: clinical testing. Allele origin: germline.
Comment: Null variant in a gene where loss of function (LOF) is a known mechanism of disease.;Absent from controls (or at extremely low frequency if recessive) in Genome Aggregation Database.